The following is an entry in ClinVar:

NM_001844.5(COL2A1):c.505C>A (p.Pro169Thr)

Gene: COL2A1 (collagen type II alpha 1 chain; minus strand). Cytogenetic location: 12q13.11.
Variant type: single nucleotide variant.
Coding change: c.505C>A on transcript NM_001844.5 (MANE Select); coding-DNA position 505, C replaced by A.
Protein change: p.Pro169Thr; replaces proline 169 with threonine.
Molecular consequence: missense variant.
Genome position (GRCh38, 1-based): chr12:47,997,632, G>T on the plus strand (C>A on the coding strand, the complement: COL2A1 is on the minus strand). VCF-style: chr12-47997632-G-T. GRCh37 (hg19) VCF-style: chr12-48391415-G-T.
Other names: c.298C>A, p.Pro100Thr (NM_033150.3); short protein forms P100T, P169T.
Identifiers: ClinVar variation 1300671 (VCV001300671.6), dbSNP rs770027510, ClinGen allele CA384524697.

ClinVar aggregate classification (germline): Conflicting classifications of pathogenicity. Review status: criteria provided, conflicting classifications (1 of 4 stars). 2 submissions from 2 submitters: Uncertain significance (1); Likely benign (1). Last evaluated 2024-06-07.

Allele frequency attached by ClinVar (database versions not stated): gnomAD exomes below 0.00001; TOPMed below 0.00001.
gnomAD v4.1: 3 of 1,613,702 alleles (0.00019%); highest among the groups gnomAD compares: Admixed American, 0.005%; no homozygotes.

Submissions (2):

GeneDx
Classification: Uncertain significance. Last evaluated: 2024-06-07. Review status: criteria provided, single submitter. Criteria: GeneDx Variant Classification Process June 2021. Collection method: clinical testing. Allele origin: germline. Affected: yes.
Comment: In silico analysis supports that this missense variant has a deleterious effect on protein structure/function; Not located in the triple helical region, where the majority of pathogenic missense variants occur (HGMD); Has not been previously published as pathogenic or benign to our knowledge

Labcorp Genetics (formerly Invitae), Labcorp
Classification: Likely benign. Last evaluated: 2022-11-18. Review status: criteria provided, single submitter. Criteria: Invitae Variant Classification Sherloc (09022015). Collection method: clinical testing. Allele origin: germline.